The following is an entry in ClinVar:

ClinVar aggregate classification (germline): Uncertain significance (1 of 4 stars; one submission).

Conditions:
Hereditary cancer-predisposing syndrome. Also called: Neoplastic Syndromes, Hereditary; Tumor predisposition; Hereditary Cancer Syndrome; Hereditary neoplastic syndrome. Identifiers: Orphanet 140162, MedGen C0027672, MeSH D009386, MONDO:0015356.

Submission:

Ambry Genetics
Classification: Uncertain significance for Hereditary cancer-predisposing syndrome. Last evaluated: 2023-11-16. Review status: criteria provided, single submitter. Criteria: Ambry Variant Classification Scheme 2023. Collection method: clinical testing. Allele origin: germline.
Comment: The p.N1092D variant (also known as c.3274A>G), located in coding exon 20 of the RET gene, results from an A to G substitution at nucleotide position 3274. The asparagine at codon 1092 is replaced by aspartic acid, an amino acid with highly similar properties. This amino acid position is highly conserved in available vertebrate species. In addition, the in silico prediction for this alteration is inconclusive. Since supporting evidence is limited at this time, the clinical significance of this alteration remains unclear.

NM_020975.6(RET):c.3274A>G (p.Asn1092Asp)

Gene: RET (ret proto-oncogene; plus strand). Cytogenetic location: 10q11.21.
Variant type: single nucleotide variant.
Coding change: c.3274A>G on transcript NM_020975.6 (MANE Select); coding-DNA position 3274, A replaced by G.
Protein change: p.Asn1092Asp; replaces asparagine 1092 with aspartic acid.
Molecular consequence: missense variant.
Genome position (GRCh38, 1-based): chr10:43,128,198, A>G. VCF-style: chr10-43128198-A-G. GRCh37 (hg19) VCF-style: chr10-43623646-A-G.
Other names: c.3274A>G, p.Asn1092Asp (NM_000323.2, NM_001406743.1); c.*1444A>G (NM_001355216.2, NM_001406764.1, NM_001406765.1 and 15 more transcripts); c.3214A>G, p.Asn1072Asp (NM_001406759.1, NM_001406760.1); c.3145A>G, p.Asn1049Asp (NM_001406761.1, NM_001406762.1); c.3139A>G, p.Asn1047Asp (NM_001406763.1); c.2986A>G, p.Asn996Asp (NM_001406766.1, NM_001406767.1); c.2878A>G, p.Asn960Asp (NM_001406769.1); c.2836A>G, p.Asn946Asp (NM_001406771.1); and 7 more; short protein forms N1047D, N1049D, N1072D, N830D, N996D, N1092D, N946D, N609D.
Identifiers: ClinVar variation 1729652 (VCV001729652.2), dbSNP rs2538662034, ClinGen allele CA376559088.